The following is an entry in ClinVar:

NM_003072.5(SMARCA4):c.1594-12A>G

Gene: SMARCA4 (SWI/SNF related BAF chromatin remodeling complex subunit ATPase 4; plus strand). Cytogenetic location: 19p13.2.
Variant type: single nucleotide variant.
Coding change: c.1594-12A>G on transcript NM_003072.5 (MANE Select); 12 bases into the intron before coding-DNA position 1594, A replaced by G.
Molecular consequence: intron variant.
Genome position (GRCh38, 1-based): chr19:10,996,201, A>G. VCF-style: chr19-10996201-A-G. GRCh37 (hg19) VCF-style: chr19-11106877-A-G.
Other names: c.1594-12A>G (NM_001128844.3, NM_001128849.3, NM_001128847.4 and 5 more transcripts).
Identifiers: ClinVar variation 1555913 (VCV001555913.9), dbSNP rs1290084345, ClinGen allele CA632115102.

ClinVar aggregate classification (germline): Likely benign. Review status: criteria provided, multiple submitters, no conflicts (2 of 4 stars). 2 submissions from 2 submitters: Likely benign (2). Last evaluated 2026-07-06.

Conditions:
Rhabdoid tumor predisposition syndrome 2 (RTPS2). Identifiers: Orphanet 231108, Orphanet 69077, MedGen C2750074, MONDO:0013224, OMIM 613325.

Allele frequency attached by ClinVar (database versions not stated): gnomAD exomes below 0.00001; gnomAD 0.00001.
gnomAD v4.1: 2 of 1,613,912 alleles (0.00012%); highest among the groups gnomAD compares: African/African-American, 0.0027%; no homozygotes.

Submissions (2):

Myriad Genetics, Inc.
Classification: Likely benign for Rhabdoid tumor predisposition syndrome 2. Last evaluated: 2026-07-06. Review status: criteria provided, single submitter. Criteria: Myriad Autosomal Dominant, Autosomal Recessive and X-Linked Classification Criteria (2023). Collection method: clinical testing. Allele origin: unknown.
Comment: This variant is considered likely benign. This variant is intronic and is not expected to impact mRNA splicing.

Labcorp Genetics (formerly Invitae), Labcorp
Classification: Likely benign for Rhabdoid tumor predisposition syndrome 2. Last evaluated: 2025-08-10. Review status: criteria provided, single submitter. Criteria: Invitae Variant Classification Sherloc (09022015). Collection method: clinical testing. Allele origin: germline.